The following is an entry in ClinVar:

ClinVar aggregate classification (germline): Uncertain significance (1 of 4 stars; one submission).

gnomAD v4.1: 2 of 1,613,902 alleles (0.00012%); highest among the groups gnomAD compares: Non-Finnish European, 0.00017%; no homozygotes.

Submission:

GeneDx
Classification: Uncertain significance. Last evaluated: 2023-07-20. Review status: criteria provided, single submitter. Criteria: GeneDx Variant Classification Process June 2021. Collection method: clinical testing. Allele origin: germline. Affected: yes.
Comment: Not observed at significant frequency in large population cohorts (gnomAD); In silico analysis supports that this missense variant does not alter protein structure/function; Has not been previously published as pathogenic or benign to our knowledge.

NM_001395656.1(ROBO2):c.4375G>A (p.Gly1459Arg)

Gene: ROBO2 (roundabout guidance receptor 2; plus strand). Cytogenetic location: 3p12.3.
Variant type: single nucleotide variant.
Coding change: c.4375G>A on transcript NM_001395656.1 (MANE Select); coding-DNA position 4375, G replaced by A.
Protein change: p.Gly1459Arg; replaces glycine 1459 with arginine.
Molecular consequence: missense variant.
Genome position (GRCh38, 1-based): chr3:77,644,859, G>A. VCF-style: chr3-77644859-G-A. GRCh37 (hg19) VCF-style: chr3-77694010-G-A.
Other names: c.4138G>A, p.Gly1380Arg (NM_001128929.3); c.4102G>A, p.Gly1368Arg (NM_001290039.2); c.4285G>A, p.Gly1429Arg (NM_001290040.2, NM_001395657.1); c.2311G>A, p.Gly771Arg (NM_001290065.2); c.4423G>A, p.Gly1475Arg (NM_001378190.1); c.4549G>A, p.Gly1517Arg (NM_001378191.1); c.4444G>A, p.Gly1482Arg (NM_001378192.1); c.4363G>A, p.Gly1455Arg (NM_001378193.1); and 11 more; short protein forms G1326R, G1364R, G1365R, G1368R, G1380R, G1384R, G1387R, G1391R.
Identifiers: ClinVar variation 3361269 (VCV003361269.1).